The following is an entry in ClinVar:

ClinVar aggregate classification (germline): Pathogenic. Review status: criteria provided, multiple submitters, no conflicts (2 of 4 stars). 17 submissions from 17 submitters: Pathogenic (15). 2 of the submissions do not count toward it. Last evaluated 2026-04-30.

Conditions:
GSDME-related disorder. Also called: GSDME-related condition.
GSDME-related disorders.
Autosomal dominant nonsyndromic hearing loss 5. Identifiers: Orphanet 90635, MedGen C1832932, MONDO:0010973, OMIM 600994.
Monogenic hearing loss.
Rare genetic deafness. Identifiers: Orphanet 96210, MedGen C5680250.

Submissions (17):

Laboratory of Molecular, Cellular and Translation Genetics in Otolaryngology/ Lim32-hcfmusp, University of Sao Paulo School of Medicine Clinics Hospital
Classification: Pathogenic for Autosomal dominant nonsyndromic hearing loss 5. Last evaluated: 2026-04-30. Review status: criteria provided, single submitter. Criteria: ACMG Guidelines, 2015. Collection method: research. Allele origin: germline. Affected: yes.
Comment: NM_001127453.2: c.991-15_991-13del. This variant has been classified as pathogenic. It is absent from population databases (PM2) and has been repeatedly reported in individuals with autosomal dominant hearing loss (PS4), including segregation with hearing loss in multiple families. Functional studies further support a damaging effect on the gene product (PS3_supporting). In the present study, this heterozygous variant was identified in two individuals presenting with postlingual, progressive hearing loss, consistent with autosomal dominant hearing loss (DFNA5). These findings further support the pathogenic role of this variant as described in PMID: 42233699.

GeneDx
Classification: Pathogenic. Last evaluated: 2026-03-23. Review status: criteria provided, single submitter. Criteria: GeneDx Variant Classification Process June 2021. Collection method: clinical testing. Allele origin: germline. Affected: yes.
Comment: Not observed at significant frequency in large population cohorts (gnomAD); In silico analysis suggests that this variant does not alter splicing; Published functional studies demonstrate adjacent exon 8 skipping and describe a hypothesized dominant-negative mechanism (PMID: 14559215); This variant is associated with the following publications: (PMID: 14676472, 9771715, 17868390, 29266521, 29849037, 39066985, 41020988, 34956325, 19911014, 24506266, 14559215, 32486382, 38297846, 32747562, 36350814, 38400873, 35982127)

PreventionGenetics, part of Exact Sciences
Classification: Pathogenic for GSDME-related condition. Last evaluated: 2025-10-10. Review status: criteria provided, single submitter. Criteria: ACMG Guidelines, 2015. Collection method: clinical testing. Allele origin: germline.
Comment: The GSDME c.991-15_991-13delTTC variant is predicted to result in an intronic deletion. This variant was reported as a recurrent variant in a mutational hotspot, segregating with autosomal dominant hearing loss in several large multi-generational families with functional experiments demonstrating it results in skipping of exon 8 (Yu et al. 2003. PubMed ID: 14559215; Park et al. 2009. PubMed ID: 19911014; Booth et al. 2018. PubMed ID: 29266521; Booth et al. 2020. PubMed ID: 32486382). This variant is reported in 0.00092% of alleles in individuals of European (Non-Finnish) descent in gnomAD. This variant is interpreted as pathogenic.

Genetics Laboratory, Great Ormond Street Hospital NHS Foundation Trust, North Thames Genomic Laboratory Hub
Classification: Pathogenic for Monogenic hearing loss. Last evaluated: 2025-09-09. Review status: criteria provided, single submitter. Criteria: ACGS Best Practice Guidelines for Variant Classification in Rare Disease 2024 v1.2. Collection method: clinical testing. Allele origin: germline. Affected: yes.
Comment: PS4_moderate, PS3_strong, PP1_strong

Labcorp Genetics (formerly Invitae), Labcorp
Classification: Pathogenic. Last evaluated: 2025-02-13. Review status: criteria provided, single submitter. Criteria: Invitae Variant Classification Sherloc (09022015). Collection method: clinical testing. Allele origin: germline.
Comment: This sequence change falls in intron 7 of the DFNA5 gene. It does not directly change the encoded amino acid sequence of the DFNA5 protein. RNA analysis indicates that this variant induces altered splicing and likely disrupts the C-terminus of the protein. The frequency data for this variant in the population databases is considered unreliable, as metrics indicate poor data quality at this position in the gnomAD database. This variant has been observed in individuals with non-syndromic deafness (PMID: 14559215, 29266521). It has also been observed to segregate with disease in related individuals. Studies have shown that this variant results in skipping of exon 8 and introduces a new termination codon (PMID: 14559215). However the mRNA is not expected to undergo nonsense-mediated decay. For these reasons, this variant has been classified as Pathogenic.

Blueprint Genetics
Classification: Pathogenic for GSDME-related disorders. Last evaluated: 2024-07-03. Review status: criteria provided, single submitter. Criteria: ACMG Guidelines, 2015. Collection method: clinical testing. Allele origin: germline. Affected: yes. Observed: 3 variant alleles.

3billion
Classification: Pathogenic for Autosomal dominant nonsyndromic hearing loss 5. Last evaluated: 2022-03-22. Review status: criteria provided, single submitter. Criteria: ACMG Guidelines, 2015. Collection method: clinical testing. Allele origin: germline. Affected: yes. Observed: 1 heterozygote.
Comment: The variant has been observed in multiple (>3) similarly affected unrelated individuals (PMID: 24506266, 19911014, 14559215) and reported to co-segregate with the disease in at least 7 similarly affected relatives/individuals in at least two unrelated families (PMID: 19911014, 14559215). The variant has been reported at least twice as pathogenic/likely pathogenic with clinical assertions and evidence for the classification (ClinVar ID: VCV000179997, PMID:14559215). It is observed at an extremely low frequency in the gnomAD v2.1.1 dataset (total allele frequency: 0.0000041). Therefore, this variant is classified as pathogenic according to the recommendation of ACMG/AMP guideline.

Department of Human Genetics, Hannover Medical School
Classification: Pathogenic for Autosomal dominant nonsyndromic hearing loss 5. Last evaluated: 2022-02-03. Review status: criteria provided, single submitter. Criteria: ACMG Guidelines, 2015. Collection method: clinical testing. Allele origin: germline. Inheritance: Autosomal dominant inheritance. Affected: yes.

Revvity Omics, Revvity
Classification: Pathogenic for Autosomal dominant nonsyndromic hearing loss 5. Last evaluated: 2022-02-02. Review status: criteria provided, single submitter. Criteria: ACMG Guidelines, 2015. Collection method: clinical testing. Allele origin: germline.

Institute of Medical Genetics and Applied Genomics, University Hospital Tübingen
Classification: Pathogenic. Last evaluated: 2021-09-15. Review status: criteria provided, single submitter. Criteria: ACMG Guidelines, 2015. Collection method: clinical testing. Allele origin: germline. Inheritance: Autosomal dominant inheritance. Affected: yes.

CeGaT Center for Human Genetics Tuebingen
Classification: Pathogenic. Last evaluated: 2020-10-01. Review status: criteria provided, single submitter. Criteria: CeGaT Center For Human Genetics Tuebingen Variant Classification Criteria Version 2. Collection method: clinical testing. Allele origin: germline. Affected: yes. Observed: 2 variant alleles.

King Laboratory, University of Washington
Classification: Pathogenic for Autosomal dominant nonsyndromic hearing loss 5. Last evaluated: 2020-08-01. Review status: criteria provided, single submitter. Criteria: Abu Rayyan A et al. (Proc Natl Acad Sci U S A 2020). Collection method: research. Allele origin: germline. Affected: yes.
Comment: Analysis of patient-derived RNA indicates that DFNA5/GSDME c.991-15_991-13delTTC weakens exon 8 splice acceptor, leading to loss of exon 8 in message and stop at codon 372 (Abu Rayyan 2020). The variant is heterozygous in 5 Palestinian children with progressive hearing loss, with average age at onset of 17 years. It is absent from 1300 Palestinian controls and from gnomAD v2.1.1.

Laboratory for Molecular Medicine, Mass General Brigham Personalized Medicine
Classification: Pathogenic for Rare genetic deafness. Last evaluated: 2014-10-03. Review status: criteria provided, single submitter. Criteria: LMM Criteria. Collection method: clinical testing. Allele origin: germline. Inheritance: Autosomal dominant inheritance. Observed: 2 variant alleles.
Comment: c.991-21TTC[2] (DFNA5; NM_004403.2; Chr7g.24746008_24746010delGAA; GRCh37): The c.991-21TTC[2] variant in DFNA5 has been reported in 4 Asian individuals with no n-syndromic sensorineural hearing loss, segregated with disease in 27 affected r elatives from 3 families and was absent in 440 Asian control chromosomes (Yu 200 3, Park 2010, Nisho 2014). This variant is a deletion of one unit of a trinucleotide (TTC) repeat sequence normally present as a triplicate (3 rep eat units), resulting in two copies of the TTC repeat. This variant is located i n the 3' splice region and has been shown to cause aberrant splicing, by skippin g of exon 8 (Yu 2003), which is predicted to lead to an abnormal or absent prote in. Several other variants in DFNA5 that have been reported to cause hearing los s are located in introns 7 or 8 and are expected to cause exon 8 skipping (Bisch off 2004, Van Laer 2005, Cheng 2007). In summary, this variant meets criteria to be classified as pathogenic for autosomal dominant hearing loss based on the pr evious reports in affected individuals, segregations, and absence in controls.

Clinical Genetics Service, Universitary Hospital 12 de Octubre
Classification: Pathogenic for Autosomal dominant nonsyndromic hearing loss 5. Review status: criteria provided, single submitter. Criteria: ACMG Guidelines, 2015. Collection method: clinical testing. Allele origin: germline. Affected: yes.

Juno Genomics, Hangzhou Juno Genomics, Inc
Classification: Pathogenic for Autosomal dominant nonsyndromic hearing loss 5. Review status: criteria provided, single submitter. Criteria: ACMG Guidelines, 2015. Collection method: clinical testing. Allele origin: germline. Affected: yes.
Comment: Absent from controls (or at extremely low frequency if recessive) in Genome Aggregation Database, Exome Sequencing Project, 1000 Genomes Project, or Exome Aggregation Consortium.;Co-segregation with disease in multiple affected family members in a gene definitively known to cause the disease.;The prevalence of the variant in affected individuals is significantly increased compared to the prevalence in controls.;Well-established in vitro or in vivo functional studies supportive of a damaging effect on the gene or gene product.

Diagnostics Centre, Carl Von Ossietzky University Oldenburg
Classification: Pathogenic for Autosomal dominant nonsyndromic hearing loss 5. Last evaluated: 2023-10-24. Review status: no assertion criteria provided. Collection method: clinical testing. Allele origin: germline. Affected: yes. Observed: 1 variant allele. Not counted in ClinVar's aggregate classification.
Comment: The GSDME:c.991-15_991-13delTTC splice variant is located 13 nucleotides upstream of exon 7 of the GSDME gene. This variant is classified as very rare in the overall population (allele frequency in gnomAD, v4.1.0= 0.000004114). The variant has been consistently classified as Pathogenic in nine entries in ClinVar (ClinVarID: 179997). The variant has been reported in several affected individuals with sensorineural with hearing loss and to co-segregate with the disease (PMID: 24506266, 19911014, 14559215). Experimental data suggest that the variant leads to skipping of exon 8 and thus to a non-functional protein (PMID: 14559215). In summary, this variant is classified as Pathogenic.

OMIM
Classification: Pathogenic for DEAFNESS, AUTOSOMAL DOMINANT 5. Last evaluated: 2010-01-01. Review status: no assertion criteria provided. Collection method: literature only. Allele origin: germline. Not counted in ClinVar's aggregate classification.

Literature cited by the submitters: PubMed 36350814 (cited by Laboratory of Molecular, Cellular and Translation Genetics in Otolaryngology/ Lim32-hcfmusp, University of Sao Paulo School of Medicine Clinics Hospital); PubMed 38297846 (cited by Laboratory of Molecular, Cellular and Translation Genetics in Otolaryngology/ Lim32-hcfmusp, University of Sao Paulo School of Medicine Clinics Hospital); PubMed 32486382 (cited by Laboratory of Molecular, Cellular and Translation Genetics in Otolaryngology/ Lim32-hcfmusp, University of Sao Paulo School of Medicine Clinics Hospital); PubMed 24506266 (cited by 4 submitters); PubMed 19911014 (cited by 5 submitters); PubMed 14559215 (cited by 5 submitters); PubMed 29266521 (cited by Labcorp Genetics (formerly Invitae), Labcorp); PubMed 9771715 (cited by Laboratory for Molecular Medicine, Mass General Brigham Personalized Medicine); PubMed 17868390 (cited by Laboratory for Molecular Medicine, Mass General Brigham Personalized Medicine); PubMed 14676472 (cited by Laboratory for Molecular Medicine, Mass General Brigham Personalized Medicine).

NM_001127453.2(GSDME):c.991-21TTC[2]

Gene: GSDME (gasdermin E; minus strand). Cytogenetic location: 7p15.3.
Variant type: Microsatellite.
Coding change: c.991-21TTC[2] on transcript NM_001127453.2 (MANE Select); two copies in a row of the 3-base unit TTC starting at c.991-21; the reference has three copies in a row; one copy, 3 bases deleted.
Molecular consequence: intron variant.
Genome position (GRCh38, 1-based): chr7:24,706,389-24,706,391, GAA deleted on the plus strand (TTC on the coding strand, the reverse complement: GSDME is on the minus strand); deleting any 3 consecutive bases within chr7:24,706,389-24,706,398 gives the same sequence; the position shown is the placement nearest the transcript's 3' end. VCF-style (leftmost placement, unchanged base first): chr7-24706388-GGAA-G. GRCh37 (hg19) VCF-style: chr7-24746007-GGAA-G.
Other names: NM_001127453.1:c.991-15_991-13delCTT; c.991-15_991-13del (NM_004403.3, NM_001127453.2); c.499-21TTC[2] (NM_001127454.2); c.991-21TTC[2] (NM_004403.3); c.991-15_991-13delTTC (NM_001127453.2).
Identifiers: ClinVar variation 179997 (VCV000179997.70), dbSNP rs727505273, ClinGen allele CA273667.